The following is an entry in ClinVar:

ClinVar aggregate classification (germline): Benign (0 of 4 stars; one submission).

Conditions:
CEP170B-related disorder. Also called: CEP170B-related condition.

Allele frequency attached by ClinVar (database versions not stated): 1000 Genomes Project 30x 0.46971; 1000 Genomes Project 0.48722; TOPMed 0.59848; gnomAD 0.61301; ESP Exome Variant Server 0.66116.
gnomAD v4.1: 1,109,561 of 1,527,272 alleles (73%); highest among the groups gnomAD compares: Middle Eastern, 80%; 418,855 homozygotes.

Submission:

PreventionGenetics, part of Exact Sciences
Classification: Benign for CEP170B-related condition. Last evaluated: 2019-10-17. Review status: no assertion criteria provided. Collection method: clinical testing. Allele origin: germline.
Comment: This variant is classified as benign based on ACMG/AMP sequence variant interpretation guidelines (Richards et al. 2015 PMID: 25741868, with internal and published modifications).

NM_001112726.3(CEP170B):c.1683C>T (p.Asp561=)

Gene: CEP170B (centrosomal protein 170B; plus strand). Cytogenetic location: 14q32.33.
Variant type: single nucleotide variant.
Coding change: c.1683C>T on transcript NM_001112726.3 (MANE Select); coding-DNA position 1683, C replaced by T.
Protein change: p.Asp561=; no amino-acid change (aspartic acid 561 retained).
Molecular consequence: synonymous variant.
Genome position (GRCh38, 1-based): chr14:104,884,462, C>T. VCF-style: chr14-104884462-C-T. GRCh37 (hg19) VCF-style: chr14-105350799-C-T.
Other names: c.1473C>T, p.Asp491= (NM_015005.3).
Identifiers: ClinVar variation 3059697 (VCV003059697.2), dbSNP rs9788593, ClinGen allele CA7375642.
Genomic context (GRCh38, chr14:104,884,462, plus strand): 5'-GACCCCACCGCCCGCCCCCACGGACCCCCAGCTGACCAAGGCACGGAAACAGGAGGAGGA[C>T]GACAGCCTCAGTGACGCAGGGACATACACCATCGAGACCGAGGCGCAGGACACGGAGGTG-3'
Protein context (NP_001106197.1, residues 551-571): QLTKARKQEE[Asp561=]DSLSDAGTYT